The following is an entry in ClinVar:

ClinVar aggregate classification (germline): Uncertain significance. Review status: criteria provided, multiple submitters, no conflicts (2 of 4 stars). 5 submissions from 5 submitters: Uncertain significance (4). 1 of the submissions does not count toward it. Last evaluated 2026-08-17.

Conditions:
PEX10-related disorder. Also called: PEX10-related condition.
Zellweger spectrum disorders (ZS). Also called: Zellweger Spectrum Disorder (ZSD); Zellweger Spectrum Disorder; Zellweger Spectrum; Zellweger syndrome. Identifiers: Orphanet 912, MedGen C0043459, MONDO:0019609.
Peroxisome biogenesis disorder, complementation group 7 (CG7). Also called: Peroxisome biogenesis disorder, complementation group B. Identifiers: MedGen C1864399.

Allele frequency attached by ClinVar (database versions not stated): TOPMed 0.00003; ExAC 0.00004; gnomAD 0.00004.

Submissions (6):

PreventionGenetics, part of Exact Sciences
Classification: Uncertain significance for PEX10-related condition. Last evaluated: 2026-08-17. Review status: criteria provided, single submitter. Criteria: ACMG Guidelines, 2015. Collection method: clinical testing. Allele origin: germline.
Comment: The PEX10 c.836+5G>A variant is predicted to interfere with splicing. which is not predicted to interfere with splicing based on available splicing prediction programs (SpliceAI, Jaganathan et al. 2019. PubMed ID: 30661751); however, the +5 position is part of the minimal donor splice region which is clinically relevant (Lord et al. 2019. PubMed ID: 30587507; Walker et al. 2023. PubMed ID: 37352859). To our knowledge, this variant has not been reported in the literature. This variant is reported in 0.017% of alleles in individuals of European (Finnish) descent in gnomAD. At this time, the clinical significance of this variant is uncertain due to the absence of conclusive functional and genetic evidence.

Labcorp Genetics (formerly Invitae), Labcorp
Classification: Uncertain significance for Peroxisome biogenesis disorder, complementation group 7. Last evaluated: 2024-10-29. Review status: criteria provided, single submitter. Criteria: Invitae Variant Classification Sherloc (09022015). Collection method: clinical testing. Allele origin: germline.
Comment: This sequence change falls in intron 4 of the PEX10 gene. It does not directly change the encoded amino acid sequence of the PEX10 protein. It affects a nucleotide within the consensus splice site. This variant is present in population databases (rs747776170, gnomAD 0.02%). This variant has not been reported in the literature in individuals affected with PEX10-related conditions. ClinVar contains an entry for this variant (Variation ID: 853076). Variants that disrupt the consensus splice site are a relatively common cause of aberrant splicing (PMID: 17576681, 9536098). Algorithms developed to predict the effect of sequence changes on RNA splicing suggest that this variant is not likely to affect RNA splicing. In summary, the available evidence is currently insufficient to determine the role of this variant in disease. Therefore, it has been classified as a Variant of Uncertain Significance.

Women's Health and Genetics/Laboratory Corporation of America, LabCorp
Classification: Uncertain significance. Last evaluated: 2024-07-08. Review status: criteria provided, single submitter. Criteria: LabCorp Variant Classification Summary - May 2015. Collection method: clinical testing. Allele origin: germline.

Blueprint Genetics
Classification: Uncertain significance. Last evaluated: 2020-01-21. Review status: criteria provided, single submitter. Criteria: ACMG Guidelines, 2015. Collection method: clinical testing. Allele origin: germline.

Natera, Inc.
Classification: Uncertain significance for Zellweger syndrome. Last evaluated: 2020-03-10. Review status: no assertion criteria provided. Collection method: clinical testing. Allele origin: germline. Not counted in ClinVar's aggregate classification.

Dr. Peter K. Rogan Lab, Western University
No classification provided (evidence only). Condition: Familial cancer of breast. Review status: no classification provided. Collection method: in vitro. Allele origin: not applicable. Functional consequence: skipped exon. Not counted in ClinVar's aggregate classification.

Literature cited by the submitters: PubMed 17576681 (cited by Labcorp Genetics (formerly Invitae), Labcorp); PubMed 9536098 (cited by Labcorp Genetics (formerly Invitae), Labcorp).

NM_002617.4(PEX10):c.776+5G>A

Gene: PEX10 (peroxisomal biogenesis factor 10; minus strand). Cytogenetic location: 1p36.32.
Variant type: single nucleotide variant.
Coding change: c.776+5G>A on transcript NM_002617.4 (MANE Select); 5 bases into the intron after coding-DNA position 776, G replaced by A.
Molecular consequence: intron variant.
Genome position (GRCh38, 1-based): chr1:2,406,715, C>T on the plus strand (G>A on the coding strand, the complement: PEX10 is on the minus strand). VCF-style: chr1-2406715-C-T. GRCh37 (hg19) VCF-style: chr1-2338154-C-T.
Other names: c.344+5G>A (NM_001374427.1); c.401+5G>A (NM_001374426.1); c.833+5G>A (NM_001374425.1); c.836+5G>A (NM_153818.2).
Identifiers: ClinVar variation 853076 (VCV000853076.10), dbSNP rs747776170, ClinGen allele CA538036.
Genomic context (GRCh38, chr1:2,406,715, plus strand): 5'-ACCTTACAGGTCCTTGTGAAGTGCCCAGGACACCCCCAGCCCCCATGTGTGGCCCCCGCA[C>T]GCACCTGCGGTGAGACAGGCCGCGGTGCAGCCTCCACTCCTTCCTGGCTCGCTGCCGCTG-3'